The following is an entry in ClinVar:

NM_001303256.3(MORC2):c.1674A>G (p.Glu558=)

Gene: MORC2 (MORC family CW-type zinc finger 2; minus strand). Cytogenetic location: 22q12.2.
Variant type: single nucleotide variant.
Coding change: c.1674A>G on transcript NM_001303256.3 (MANE Select); coding-DNA position 1674, A replaced by G.
Protein change: p.Glu558=; no amino-acid change (glutamic acid 558 retained).
Molecular consequence: synonymous variant.
Genome position (GRCh38, 1-based): chr22:30,936,574, T>C on the plus strand (A>G on the coding strand, the complement: MORC2 is on the minus strand). VCF-style: chr22-30936574-T-C. GRCh37 (hg19) VCF-style: chr22-31332561-T-C.
Other names: c.1674A>G, p.Glu558= (NM_001303257.2); c.1488A>G, p.Glu496= (NM_014941.3).
Identifiers: ClinVar variation 4533461 (VCV004533461.6).

ClinVar aggregate classification (germline): Likely benign (1 of 4 stars; one submission).

gnomAD v4.1: 4 of 1,614,104 alleles (0.00025%); highest among the groups gnomAD compares: Admixed American, 0.0033%; no homozygotes.

Submission:

CeGaT Center for Human Genetics Tuebingen
Classification: Likely benign. Last evaluated: 2025-10-01. Review status: criteria provided, single submitter. Criteria: CeGaT Center For Human Genetics Tuebingen Variant Classification Criteria Version 2. Collection method: clinical testing. Allele origin: germline. Affected: yes. Observed: 1 variant allele.
Comment: MORC2: BP4, BP7